The following is an entry in ClinVar:

NM_001365951.3(KIF1B):c.5357A>C (p.Asp1786Ala)

Gene: KIF1B (kinesin family member 1B; plus strand). Cytogenetic location: 1p36.22.
Variant type: single nucleotide variant.
Coding change: c.5357A>C on transcript NM_001365951.3 (MANE Select); coding-DNA position 5357, A replaced by C.
Protein change: p.Asp1786Ala; replaces aspartic acid 1786 with alanine.
Molecular consequence: missense variant.
Genome position (GRCh38, 1-based): chr1:10,375,322, A>C. VCF-style: chr1-10375322-A-C. GRCh37 (hg19) VCF-style: chr1-10435380-A-C.
Other names: c.5357A>C, p.Asp1786Ala (NM_001365952.1); c.5219A>C, p.Asp1740Ala (NM_015074.3); short protein forms D1740A, D1786A.
Identifiers: ClinVar variation 3226543 (VCV003226543.1), dbSNP rs2521986742, ClinGen allele CA338331942.

ClinVar aggregate classification (germline): Uncertain significance (1 of 4 stars; one submission).

Submission:

Ambry Genetics
Classification: Uncertain significance. Last evaluated: 2023-12-05. Review status: criteria provided, single submitter. Criteria: Ambry Variant Classification Scheme 2023. Collection method: clinical testing. Allele origin: germline.
Comment: The p.D1740A variant (also known as c.5219A>C), located in coding exon 45 of the KIF1B gene, results from an A to C substitution at nucleotide position 5219. The aspartic acid at codon 1740 is replaced by alanine, an amino acid with dissimilar properties. This amino acid position is conserved. In addition, the in silico prediction for this alteration is inconclusive. Since supporting evidence is limited at this time, the clinical significance of this alteration remains unclear.